The following is an entry in ClinVar:

ClinVar aggregate classification (germline): Uncertain significance (1 of 4 stars; one submission).

Conditions:
Familial focal epilepsy with variable foci (FPEVF). Identifiers: Orphanet 98820, MedGen C1858477, MONDO:0020310.

Allele frequency attached by ClinVar (database versions not stated): TOPMed below 0.00001; gnomAD 0.00001; gnomAD exomes 0.00001 and 0.00002; ExAC 0.00002.
gnomAD v4.1: 24 of 1,614,140 alleles (0.0015%); highest among the groups gnomAD compares: Non-Finnish European, 0.002%; no homozygotes.

Submission:

Labcorp Genetics (formerly Invitae), Labcorp
Classification: Uncertain significance for Familial focal epilepsy with variable foci. Last evaluated: 2021-06-24. Review status: criteria provided, single submitter. Criteria: Invitae Variant Classification Sherloc (09022015). Collection method: clinical testing. Allele origin: germline.
Comment: In summary, the available evidence is currently insufficient to determine the role of this variant in disease. Therefore, it has been classified as a Variant of Uncertain Significance. Algorithms developed to predict the effect of missense changes on protein structure and function are either unavailable or do not agree on the potential impact of this missense change (SIFT: "Deleterious"; PolyPhen-2: "undetermined"; Align-GVGD: "Class C25"). This variant has not been reported in the literature in individuals with DEPDC5-related conditions. This variant is present in population databases (rs777644077, ExAC 0.003%). This sequence change replaces valine with alanine at codon 815 of the DEPDC5 protein (p.Val815Ala). The valine residue is highly conserved and there is a small physicochemical difference between valine and alanine.

NM_001242896.3(DEPDC5):c.2444T>C (p.Val815Ala)

Gene: DEPDC5 (DEP domain containing 5, GATOR1 subcomplex subunit; plus strand). Cytogenetic location: 22q12.3.
Variant type: single nucleotide variant.
Coding change: c.2444T>C on transcript NM_001242896.3 (MANE Select); coding-DNA position 2444, T replaced by C.
Protein change: p.Val815Ala; replaces valine 815 with alanine.
Molecular consequence: missense variant. On other transcripts: non-coding transcript variant (5).
Genome position (GRCh38, 1-based): chr22:31,838,774, T>C. VCF-style: chr22-31838774-T-C. GRCh37 (hg19) VCF-style: chr22-32234760-T-C.
Other names: c.2444T>C, p.Val815Ala (NM_001364318.2, NM_001364320.2, NM_001363852.2); c.2210T>C, p.Val737Ala (NM_001364319.2, NM_001242897.2, NM_001363854.2); c.2360T>C, p.Val787Ala (NM_001369901.1, NM_001369902.1); c.2417T>C, p.Val806Ala (NM_001369903.1, NM_014662.6, NM_001136029.4); short protein forms V737A, V787A, V806A, V815A.
Identifiers: ClinVar variation 1052049 (VCV001052049.9), dbSNP rs777644077, ClinGen allele CA10196716.
Genomic context (GRCh38, chr22:31,838,774, plus strand): 5'-CCCAGCAGGTATTTGAAGAGTTTATTTGCCAACGTCTCATGCAGGGCTACCAAATCATAG[T>C]GCAGCCCAAGACACAGAAACCCAATCCTGCTGTCCCGCCCCCGCTGAGCAGTAGCCCACT-3'
Protein context (NP_001229825.1, residues 805-825): QRLMQGYQII[Val815Ala]QPKTQKPNPA